The following is an entry in ClinVar:

ClinVar aggregate classification (germline): Uncertain significance (1 of 4 stars; one submission).

Submission:

Labcorp Genetics (formerly Invitae), Labcorp
Classification: Uncertain significance. Last evaluated: 2024-06-12. Review status: criteria provided, single submitter. Criteria: Invitae Variant Classification Sherloc (09022015). Collection method: clinical testing. Allele origin: germline.
Comment: This sequence change replaces arginine, which is basic and polar, with glutamine, which is neutral and polar, at codon 1749 of the MYH7B protein (p.Arg1749Gln). This variant is present in population databases (rs767107205, gnomAD 0.007%). This variant has not been reported in the literature in individuals affected with MYH7B-related conditions. Advanced modeling of protein sequence and biophysical properties (such as structural, functional, and spatial information, amino acid conservation, physicochemical variation, residue mobility, and thermodynamic stability) has been performed at Invitae for this missense variant, however the output from this modeling did not meet the statistical confidence thresholds required to predict the impact of this variant on MYH7B protein function. In summary, the available evidence is currently insufficient to determine the role of this variant in disease. Therefore, it has been classified as a Variant of Uncertain Significance.

NM_020884.7(MYH7B):c.5120G>A (p.Arg1707Gln)

Gene: MYH7B (myosin heavy chain 7B; plus strand). Cytogenetic location: 20q11.22.
Variant type: single nucleotide variant.
Coding change: c.5120G>A on transcript NM_020884.7 (MANE Select); coding-DNA position 5120, G replaced by A.
Protein change: p.Arg1707Gln; replaces arginine 1707 with glutamine.
Molecular consequence: missense variant.
Genome position (GRCh38, 1-based): chr20:35,000,631, G>A. VCF-style: chr20-35000631-G-A. GRCh37 (hg19) VCF-style: chr20-33588434-G-A.
Other names: short protein forms R1707Q.
Identifiers: ClinVar variation 3719110 (VCV003719110.2).